The following is an entry in ClinVar:

ClinVar aggregate classification (germline): Likely benign. Review status: criteria provided, single submitter (1 of 4 stars). 2 submissions from 2 submitters: Likely benign (1). 1 of the submissions does not count toward it. Last evaluated 2025-08-01.

Conditions:
CUX2-related disorder. Also called: CUX2-related condition.

Allele frequency attached by ClinVar (database versions not stated): ExAC 0.00043; gnomAD 0.00052; 1000 Genomes Project 0.00060; TOPMed 0.00060; 1000 Genomes Project 30x 0.00062; ESP Exome Variant Server 0.00069; gnomAD exomes 0.00091.
gnomAD v4.1: 1,426 of 1,614,128 alleles (0.088%); highest among the groups gnomAD compares: Non-Finnish European, 0.11%; 1 homozygote.

Submissions (2):

CeGaT Center for Human Genetics Tuebingen
Classification: Likely benign. Last evaluated: 2025-08-01. Review status: criteria provided, single submitter. Criteria: CeGaT Center For Human Genetics Tuebingen Variant Classification Criteria Version 2. Collection method: clinical testing. Allele origin: germline. Affected: yes. Observed: 2 variant alleles.
Comment: CUX2: BP4, BS2

PreventionGenetics, part of Exact Sciences
Classification: Likely benign for CUX2-related condition. Last evaluated: 2019-05-03. Review status: no assertion criteria provided. Collection method: clinical testing. Allele origin: germline. Not counted in ClinVar's aggregate classification.
Comment: This variant is classified as likely benign based on ACMG/AMP sequence variant interpretation guidelines (Richards et al. 2015 PMID: 25741868, with internal and published modifications).

NM_015267.4(CUX2):c.3555G>A (p.Lys1185=)

Gene: CUX2 (cut like homeobox 2; plus strand). Cytogenetic location: 12q24.12.
Variant type: single nucleotide variant.
Coding change: c.3555G>A on transcript NM_015267.4 (MANE Select); coding-DNA position 3555, G replaced by A.
Protein change: p.Lys1185=; no amino-acid change (lysine 1185 retained).
Molecular consequence: synonymous variant.
Genome position (GRCh38, 1-based): chr12:111,341,949, G>A. VCF-style: chr12-111341949-G-A. GRCh37 (hg19) VCF-style: chr12-111779753-G-A.
Other names: c.3369G>A, p.Lys1123= (NM_001370598.1); c.3555G>A (NM_015267.3).
Identifiers: ClinVar variation 2643310 (VCV002643310.25), dbSNP rs200742986, ClinGen allele CA6789157.